The following is an entry in ClinVar:

NM_198407.2(GHSR):c.447C>G (p.Leu149=)

Gene: GHSR (growth hormone secretagogue receptor; minus strand). Cytogenetic location: 3q26.31.
Variant type: single nucleotide variant.
Coding change: c.447C>G on transcript NM_198407.2 (MANE Select); coding-DNA position 447, C replaced by G.
Protein change: p.Leu149=; no amino-acid change (leucine 149 retained).
Molecular consequence: synonymous variant.
Genome position (GRCh38, 1-based): chr3:172,447,967, G>C on the plus strand (C>G on the coding strand, the complement: GHSR is on the minus strand). VCF-style: chr3-172447967-G-C. GRCh37 (hg19) VCF-style: chr3-172165757-G-C.
Other names: c.447C>G, p.Leu149= (NM_004122.2).
Identifiers: ClinVar variation 344200 (VCV000344200.15), dbSNP rs2232169, ClinGen allele CA2706468.

ClinVar aggregate classification (germline): Benign. Review status: criteria provided, multiple submitters, no conflicts (2 of 4 stars). 5 submissions from 5 submitters: Benign (5). Last evaluated 2026-05-09.

Conditions:
Short stature due to growth hormone secretagogue receptor deficiency (GHDP). Also called: Short stature due to GHSR deficiency. Identifiers: Orphanet 314811, MedGen C5887324, MONDO:0014403, OMIM 615925.

Allele frequency attached by ClinVar (database versions not stated): gnomAD exomes 0.02777; 1000 Genomes Project 30x 0.03201; gnomAD 0.03667; TOPMed 0.03795; ESP Exome Variant Server 0.04252; 1000 Genomes Project 0.03155.
gnomAD v4.1: 46,315 of 1,614,016 alleles (2.9%); highest among the groups gnomAD compares: African/African-American, 6.9%; 918 homozygotes.

Submissions (5):

Women's Health and Genetics/Laboratory Corporation of America, LabCorp
Classification: Benign. Last evaluated: 2026-05-09. Review status: criteria provided, single submitter. Criteria: LabCorp Variant Classification Summary - May 2015. Collection method: clinical testing. Allele origin: germline.

Labcorp Genetics (formerly Invitae), Labcorp
Classification: Benign. Last evaluated: 2026-02-01. Review status: criteria provided, single submitter. Criteria: Invitae Variant Classification Sherloc (09022015). Collection method: clinical testing. Allele origin: germline.

GeneDx
Classification: Benign. Last evaluated: 2020-05-13. Review status: criteria provided, single submitter. Criteria: GeneDx Variant Classification Process June 2021. Collection method: clinical testing. Allele origin: germline. Affected: yes.

Illumina Laboratory Services, Illumina
Classification: Benign for Short stature due to growth hormone secretagogue receptor deficiency. Last evaluated: 2018-01-12. Review status: criteria provided, single submitter. Criteria: ICSL Variant Classification Criteria 13 December 2019. Collection method: clinical testing. Allele origin: germline.
Comment: This variant was observed in the ICSL laboratory as part of a predisposition screen in an ostensibly healthy population. It had not been previously curated by ICSL or reported in the Human Gene Mutation Database (HGMD: prior to June 1st, 2018), and was therefore a candidate for classification through an automated scoring system. Utilizing variant allele frequency, disease prevalence and penetrance estimates, and inheritance mode, an automated score was calculated to assess if this variant is too frequent to cause the disease. Based on the score and internal cut-off values, a variant classified as benign is not then subjected to further curation. The score for this variant resulted in a classification of benign for this disease.

Breakthrough Genomics
Classification: Benign. Review status: criteria provided, single submitter. Criteria: ACMG Guidelines, 2015. Collection method: not provided. Allele origin: germline. Inheritance: Autosomal dominant inheritance. Affected: yes.